The following is an entry in ClinVar:

NM_015650.4(IFT54):c.945G>A (p.Lys315=)

Gene: IFT54 (intraflagellar transport 54; plus strand). Cytogenetic location: 2q37.3.
Variant type: single nucleotide variant.
Coding change: c.945G>A on transcript NM_015650.4 (MANE Select); coding-DNA position 945, G replaced by A.
Protein change: p.Lys315=; no amino-acid change (lysine 315 retained).
Molecular consequence: synonymous variant.
Genome position (GRCh38, 1-based): chr2:238,332,853, G>A. VCF-style: chr2-238332853-G-A. GRCh37 (hg19) VCF-style: chr2-239241494-G-A.
Other names: c.945G>A, p.Lys315= (NM_001139490.1).
Identifiers: ClinVar variation 3389469 (VCV003389469.14).
Genomic context (GRCh38, chr2:238,332,853, plus strand): 5'-CTAAAGTTTGAATTTTTTTTTTTTTTAATAGTCAGCAAGCTCAGGGGAGATGTCTAAAAA[G>A]TTATCAGATGGAACTTTTAAAGACTCCAAGGCTGAAACAGAGGTAAACTTTAAAAAATAA-3'
Protein context (NP_056465.2, residues 305-325): KSASSGEMSK[Lys315=]LSDGTFKDSK

ClinVar aggregate classification (germline): Likely benign (1 of 4 stars; one submission).

gnomAD v4.1: 2 of 1,611,664 alleles (0.00012%); highest among the groups gnomAD compares: Non-Finnish European, 0.00017%; no homozygotes.

Submission:

CeGaT Center for Human Genetics Tuebingen
Classification: Likely benign. Last evaluated: 2024-11-01. Review status: criteria provided, single submitter. Criteria: CeGaT Center For Human Genetics Tuebingen Variant Classification Criteria Version 2. Collection method: clinical testing. Allele origin: germline. Affected: yes. Observed: 1 variant allele.
Comment: IFT54: BP4, BP7